The following is an entry in ClinVar:

NM_001164508.2(NEB):c.21885_21888del (p.Val7297fs)

Genes: NEB (nebulin; minus strand), RIF1 (replication timing regulatory factor 1; plus strand). Cytogenetic location: 2q23.3.
Variant type: Deletion.
Coding change: c.21885_21888del on transcript NM_001164508.2 (MANE Select); coding-DNA positions 21885 to 21888, 4 bases deleted (TTCT; older notation c.21885_21888delTTCT).
Protein change: p.Val7297fs; shifts the reading frame from valine 7297.
Molecular consequence: frameshift variant.
Genome position (GRCh38, 1-based): chr2:151,526,975-151,526,978, AGAA deleted on the plus strand (TTCT on the coding strand, the reverse complement: NEB is on the minus strand); deleting any 4 consecutive bases within chr2:151,526,975-151,526,980 gives the same sequence; the c. name uses the placement nearest the transcript's 3' end. VCF-style (leftmost placement, unchanged base first): chr2-151526974-CAGAA-C. GRCh37 (hg19) VCF-style: chr2-152383488-CAGAA-C.
Other names: c.21885_21888del, p.Val7297fs (NM_001164507.2); c.21990_21993del, p.Val7332fs (NM_001271208.2); c.16782_16785del, p.Val5596fs (NM_004543.5); short protein forms V7297fs, V5596fs, V7332fs.
Identifiers: ClinVar variation 2827901 (VCV002827901.3), dbSNP rs2552124458, ClinGen allele CA2661454644.

ClinVar aggregate classification (germline): Pathogenic (1 of 4 stars; one submission).

Conditions:
Nemaline myopathy 2 (NEM2). Also called: Nemaline myopathy 2, autosomal recessive. Identifiers: MedGen C1850569, MONDO:0009725, OMIM 256030.

Submission:

Labcorp Genetics (formerly Invitae), Labcorp
Classification: Pathogenic for Nemaline myopathy 2. Last evaluated: 2023-01-12. Review status: criteria provided, single submitter. Criteria: Invitae Variant Classification Sherloc (09022015). Collection method: clinical testing. Allele origin: germline.
Comment: This variant has not been reported in the literature in individuals affected with NEB-related conditions. This sequence change creates a premature translational stop signal (p.Val7332Leufs*14) in the NEB gene. It is expected to result in an absent or disrupted protein product. Loss-of-function variants in NEB are known to be pathogenic (PMID: 25205138). This variant is not present in population databases (gnomAD no frequency). For these reasons, this variant has been classified as Pathogenic.

Literature cited by the submitters: PubMed 25205138.